The following is an entry in ClinVar:

ClinVar aggregate classification (germline): Uncertain significance. Review status: criteria provided, single submitter (1 of 4 stars). 2 submissions from 2 submitters: Uncertain significance (1). 1 of the submissions does not count toward it. Last evaluated 2021-03-30.

Conditions:
C8G-related disorder. Also called: C8G-related condition.
Immunodeficiency. Identifiers: MedGen C0021051, MONDO:0021094, HP:0002721.

Submissions (2):

Center for Genomics, Ann and Robert H. Lurie Children's Hospital of Chicago
Classification: Uncertain significance for Immunodeficiency. Last evaluated: 2021-03-30. Review status: criteria provided, single submitter. Criteria: ACMG Guidelines, 2015. Collection method: clinical testing. Allele origin: germline.
Comment: C8G: NM_000606.2 exon 1 p.Ser34fs (c.93_99dup): This variant has not been reported in the literature but is present in 23/112584 European alleles in the Genome Aggregation Database. Evolutionary conservation and computational predictive tools for this variant are limited or unavailable. This variant is a duplication of 7 nucleotides and creates a premature stop codon 12 amino acids downstream from this location which results in an absent or abnormal protein. However, there is insufficent evidence for loss of function (LOF) as an established disease mechanism for this gene. In summary, data on this variant is suspicious for disease, but requires further evidence for pathogenicity. Therefore, the clinical significance of this variant is uncertain.

PreventionGenetics, part of Exact Sciences
Classification: Likely benign for C8G-related condition. Last evaluated: 2023-10-11. Review status: no assertion criteria provided. Collection method: clinical testing. Allele origin: germline. Not counted in ClinVar's aggregate classification.
Comment: This variant is classified as likely benign based on ACMG/AMP sequence variant interpretation guidelines (Richards et al. 2015 PMID: 25741868, with internal and published modifications).

NM_000606.3(C8G):c.93_99dup (p.Ser34fs)

Gene: C8G (complement C8 gamma chain; plus strand). Cytogenetic location: 9q34.3.
Variant type: Duplication.
Coding change: c.93_99dup on transcript NM_000606.3 (MANE Select); coding-DNA positions 93 to 99, 7 bases duplicated (CCCCATC; older notation c.93_99dupCCCCATC).
Protein change: p.Ser34fs; shifts the reading frame from serine 34.
Molecular consequence: frameshift variant.
Genome position (GRCh38, 1-based): chr9:136,945,413-136,945,419, CCCCATC duplicated; duplicating any 7 consecutive bases within chr9:136,945,409-136,945,419 gives the same sequence; the c. name uses the placement nearest the transcript's 3' end. VCF-style (leftmost placement, unchanged base first): chr9-136945408-G-GCATCCCC. GRCh37 (hg19) VCF-style: chr9-139839860-G-GCATCCCC.
Other names: c.93_99dup, p.Ser34fs (LRG_1211t1); c.93_99dup7 (NM_000606.2); short protein forms S34fs.
Identifiers: ClinVar variation 626069 (VCV000626069.5), dbSNP rs758635843, ClinGen allele CA5351428.